The following is an entry in ClinVar:

ClinVar aggregate classification (germline): Uncertain significance (1 of 4 stars; one submission).

gnomAD v4.1: 11 of 1,613,064 alleles (0.00068%); highest among the groups gnomAD compares: Middle Eastern, 0.017%; no homozygotes.

Submission:

GeneDx
Classification: Uncertain significance. Last evaluated: 2024-04-26. Review status: criteria provided, single submitter. Criteria: GeneDx Variant Classification Process June 2021. Collection method: clinical testing. Allele origin: germline. Affected: yes.
Comment: Not observed at significant frequency in large population cohorts (gnomAD); In silico analysis indicates that this missense variant does not alter protein structure/function; Has not been previously published as pathogenic or benign to our knowledge

NM_000414.4(HSD17B4):c.386A>G (p.Gln129Arg)

Gene: HSD17B4 (hydroxysteroid 17-beta dehydrogenase 4; plus strand). Cytogenetic location: 5q23.1.
Variant type: single nucleotide variant.
Coding change: c.386A>G on transcript NM_000414.4 (MANE Select); coding-DNA position 386, A replaced by G.
Protein change: p.Gln129Arg; replaces glutamine 129 with arginine.
Molecular consequence: missense variant. On other transcripts: 5 prime UTR variant (5), non-coding transcript variant (2).
Genome position (GRCh38, 1-based): chr5:119,477,453, A>G. VCF-style: chr5-119477453-A-G. GRCh37 (hg19) VCF-style: chr5-118813148-A-G.
Other names: c.461A>G, p.Gln154Arg (NM_001199291.3); c.332A>G, p.Gln111Arg (NM_001199292.2); c.314A>G, p.Gln105Arg (NM_001292027.2); c.-26A>G (NM_001292028.2, NM_001374501.1, NM_001374502.1 and 1 more transcripts); c.386A>G, p.Gln129Arg (NM_001374497.1, NM_001374498.1); c.59A>G, p.Gln20Arg (NM_001374499.1); c.-153A>G (NM_001374500.1); short protein forms Q105R, Q111R, Q129R, Q154R, Q20R.
Identifiers: ClinVar variation 3373064 (VCV003373064.1).